The following is an entry in ClinVar:

NM_032634.4(PIGO):c.1187del (p.Leu396fs)

Gene: PIGO (phosphatidylinositol glycan anchor biosynthesis class O; minus strand). Cytogenetic location: 9p13.3.
Variant type: Deletion.
Coding change: c.1187del on transcript NM_032634.4 (MANE Select); coding-DNA position 1187, one base deleted (T; older notation c.1187delT).
Protein change: p.Leu396fs; shifts the reading frame from leucine 396.
Molecular consequence: frameshift variant.
Genome position (GRCh38, 1-based): chr9:35,092,700, A deleted on the plus strand (T on the coding strand, the reverse complement: PIGO is on the minus strand). VCF-style (leftmost placement, unchanged base first): chr9-35092699-CA-C. GRCh37 (hg19) VCF-style: chr9-35092696-CA-C.
Other names: c.1187del, p.Leu396fs (NM_001201484.2, NM_152850.4); short protein forms L396fs.
Identifiers: ClinVar variation 836206 (VCV000836206.7), dbSNP rs1657564568, ClinGen allele CA916083044.

ClinVar aggregate classification (germline): Pathogenic (1 of 4 stars; one submission).

Conditions:
Hyperphosphatasia with impaired intellectual development syndrome 2. Also called: Hyperphosphatasia with intellectual disability syndrome 2; GLYCOSYLPHOSPHATIDYLINOSITOL BIOSYNTHESIS DEFECT 6. Identifiers: Orphanet 247262, MedGen C3553637, MONDO:0013882, OMIM 614749.

Submission:

Labcorp Genetics (formerly Invitae), Labcorp
Classification: Pathogenic for Hyperphosphatasia with impaired intellectual development syndrome 2. Last evaluated: 2022-08-15. Review status: criteria provided, single submitter. Criteria: Invitae Variant Classification Sherloc (09022015). Collection method: clinical testing. Allele origin: germline.
Comment: For these reasons, this variant has been classified as Pathogenic. ClinVar contains an entry for this variant (Variation ID: 836206). This variant has not been reported in the literature in individuals affected with PIGO-related conditions. This variant is not present in population databases (gnomAD no frequency). This sequence change creates a premature translational stop signal (p.Leu396Argfs*29) in the PIGO gene. It is expected to result in an absent or disrupted protein product. Loss-of-function variants in PIGO are known to be pathogenic (PMID: 22683086, 24417746).

Literature cited by the submitters: PubMed 22683086; PubMed 24417746.